The following is an entry in ClinVar:

NM_000179.3(MSH6):c.1452A>G (p.Glu484=)

Gene: MSH6 (mutS homolog 6; plus strand). Cytogenetic location: 2p16.3.
Variant type: single nucleotide variant.
Coding change: c.1452A>G on transcript NM_000179.3 (MANE Select); coding-DNA position 1452, A replaced by G.
Protein change: p.Glu484=; no amino-acid change (glutamic acid 484 retained).
Molecular consequence: synonymous variant.
Genome position (GRCh38, 1-based): chr2:47,799,435, A>G. VCF-style: chr2-47799435-A-G. GRCh37 (hg19) VCF-style: chr2-48026574-A-G.
Other names: c.1062A>G, p.Glu354= (NM_001281492.2); c.546A>G, p.Glu182= (NM_001281493.2, NM_001281494.2).
Identifiers: ClinVar variation 184915 (VCV000184915.23), dbSNP rs776633437, ClinGen allele CA008652.
Genomic context (GRCh38, chr2:47,799,435, plus strand): 5'-TGCATTTGGCCGTTATTCAGATTCCCTGGTGCAGAAGGGCTATAAAGTAGCACGAGTGGA[A>G]CAGACTGAGACTCCAGAAATGATGGAGGCACGATGTAGAAAGATGGCACATATATCCAAG-3'
Protein context (NP_000170.1, residues 474-494): VQKGYKVARV[Glu484=]QTETPEMMEA

ClinVar aggregate classification (germline): Benign/Likely benign. Review status: criteria provided, multiple submitters, no conflicts (2 of 4 stars). 8 submissions from 8 submitters: Benign (1); Likely benign (6). 1 of the submissions does not count toward it. Last evaluated 2026-01-28.

Conditions:
MSH6-related disorder. Also called: MSH6-related condition; MSH6-Related disorders.
Hereditary nonpolyposis colorectal neoplasms. Identifiers: MedGen C0009405, MeSH D003123.
Hereditary cancer-predisposing syndrome. Also called: Hereditary neoplastic syndrome; Neoplastic Syndromes, Hereditary; Tumor predisposition; Hereditary Cancer Syndrome. Identifiers: Orphanet 140162, MedGen C0027672, MeSH D009386, MONDO:0015356.
Lynch syndrome. Identifiers: Orphanet 144, MedGen C4552100, MONDO:0005835. Disease mechanism: loss of function.
Lynch syndrome 5 (LYNCH5). Also called: Hereditary non-polyposis colorectal cancer, type 5; Colorectal cancer, hereditary nonpolyposis, type 5. Identifiers: Orphanet 144, MedGen C1833477, MONDO:0013710, OMIM 614350. Disease mechanism: loss of function.

Allele frequency attached by ClinVar (database versions not stated): TOPMed below 0.00001; gnomAD exomes 0.00001.
gnomAD v4.1: 13 of 1,614,162 alleles (0.00081%); highest among the groups gnomAD compares: Non-Finnish European, 0.0011%; no homozygotes.

Submissions (8):

Labcorp Genetics (formerly Invitae), Labcorp
Classification: Likely benign for Hereditary nonpolyposis colorectal neoplasms. Last evaluated: 2026-01-28. Review status: criteria provided, single submitter. Criteria: Invitae Variant Classification Sherloc (09022015). Collection method: clinical testing. Allele origin: germline.

Myriad Genetics, Inc.
Classification: Benign for Lynch syndrome 5. Last evaluated: 2024-12-26. Review status: criteria provided, single submitter. Criteria: Myriad Autosomal Dominant, Autosomal Recessive and X-Linked Classification Criteria (2023). Collection method: clinical testing. Allele origin: unknown.
Comment: This variant is considered benign. This variant is a silent/synonymous amino acid change and it is not expected to impact splicing.

All of Us Research Program, National Institutes of Health
Classification: Likely benign for Lynch syndrome. Last evaluated: 2023-11-30. Review status: criteria provided, single submitter. Criteria: ACMG Guidelines, 2015. Collection method: clinical testing. Allele origin: germline. Inheritance: Autosomal dominant inheritance. Observed: 2 variant alleles, 2 heterozygotes.
Comment: This study involves interpretation of variants in research participants for the purpose of population health screening. Participant phenotype was not available at the time of variant classification. Additional details can be found in publication PMID: 35346344, PMCID: PMC8962531

Sema4
Classification: Likely benign for Hereditary cancer-predisposing syndrome. Last evaluated: 2021-11-06. Review status: criteria provided, single submitter. Criteria: Sema4 Curation Guidelines. Collection method: curation. Allele origin: germline.

GeneDx
Classification: Likely benign. Last evaluated: 2020-06-26. Review status: criteria provided, single submitter. Criteria: GeneDx Variant Classification Process June 2021. Collection method: clinical testing. Allele origin: germline. Affected: yes.

Color Diagnostics, LLC DBA Color Health
Classification: Likely benign for Hereditary cancer-predisposing syndrome. Last evaluated: 2017-07-26. Review status: criteria provided, single submitter. Criteria: ACMG Guidelines, 2015. Collection method: clinical testing. Allele origin: germline.

Ambry Genetics
Classification: Likely benign for Hereditary cancer-predisposing syndrome. Last evaluated: 2015-11-19. Review status: criteria provided, single submitter. Criteria: Ambry Variant Classification Scheme 2023. Collection method: clinical testing. Allele origin: germline.

PreventionGenetics, part of Exact Sciences
Classification: Likely benign for MSH6-related condition. Last evaluated: 2024-06-20. Review status: no assertion criteria provided. Collection method: clinical testing. Allele origin: germline. Not counted in ClinVar's aggregate classification.
Comment: This variant is classified as likely benign based on ACMG/AMP sequence variant interpretation guidelines (Richards et al. 2015 PMID: 25741868, with internal and published modifications).